The following is an entry in ClinVar:

ClinVar aggregate classification (germline): Benign/Likely benign. Review status: criteria provided, multiple submitters, no conflicts (2 of 4 stars). 2 submissions from 2 submitters: Benign (1); Likely benign (1). Last evaluated 2018-03-28.

Conditions:
Gonadotropin-independent familial sexual precocity. Also called: TESTOTOXICOSIS, FAMILIAL; Familial male-limited precocious puberty. Identifiers: Orphanet 3000, MedGen C0342549, MONDO:0008303, OMIM 176410.

Allele frequency attached by ClinVar (database versions not stated): ExAC 0.00004; gnomAD 0.00005; gnomAD exomes 0.00006 and 0.00007; TOPMed 0.00007; 1000 Genomes Project 30x 0.00016; 1000 Genomes Project 0.00020.
gnomAD v4.1: 109 of 1,614,116 alleles (0.0068%); highest among the groups gnomAD compares: Admixed American, 0.012%; no homozygotes.

Submissions (2):

Labcorp Genetics (formerly Invitae), Labcorp
Classification: Likely benign. Last evaluated: 2018-03-28. Review status: criteria provided, single submitter. Criteria: Invitae Variant Classification Sherloc (09022015). Collection method: clinical testing. Allele origin: germline.

Illumina Laboratory Services, Illumina
Classification: Benign for Gonadotropin-independent familial sexual precocity. Last evaluated: 2018-01-13. Review status: criteria provided, single submitter. Criteria: ICSL Variant Classification Criteria 13 December 2019. Collection method: clinical testing. Allele origin: germline.
Comment: This variant was observed in the ICSL laboratory as part of a predisposition screen in an ostensibly healthy population. It had not been previously curated by ICSL or reported in the Human Gene Mutation Database (HGMD: prior to June 1st, 2018), and was therefore a candidate for classification through an automated scoring system. Utilizing variant allele frequency, disease prevalence and penetrance estimates, and inheritance mode, an automated score was calculated to assess if this variant is too frequent to cause the disease. Based on the score and internal cut-off values, a variant classified as benign is not then subjected to further curation. The score for this variant resulted in a classification of benign for this disease.

NM_000233.4(LHCGR):c.1875A>T (p.Ile625=)

Genes: STON1-GTF2A1L (STON1-GTF2A1L readthrough; plus strand), LHCGR (luteinizing hormone/choriogonadotropin receptor; minus strand). Cytogenetic location: 2p16.3.
Variant type: single nucleotide variant.
Coding change: c.1875A>T on transcript NM_000233.4 (MANE Select); coding-DNA position 1875, A replaced by T.
Protein change: p.Ile625=; no amino-acid change (isoleucine 625 retained).
Molecular consequence: synonymous variant. On other transcripts: intron variant (1).
Genome position (GRCh38, 1-based): chr2:48,687,922, T>A on the plus strand (A>T on the coding strand, the complement: LHCGR is on the minus strand). VCF-style: chr2-48687922-T-A. GRCh37 (hg19) VCF-style: chr2-48915061-T-A.
Other names: c.3441+16242T>A (NM_001198593.2).
Identifiers: ClinVar variation 336459 (VCV000336459.9), dbSNP rs200691173, ClinGen allele CA1652973.